The following is an entry in ClinVar:

ClinVar aggregate classification (germline): Uncertain significance (1 of 4 stars; one submission).

Conditions:
FUZ-related disorder. Also called: FUZ-related condition.

Allele frequency attached by ClinVar (database versions not stated): TOPMed 0.00002; ExAC 0.00003; gnomAD 0.00003; ESP Exome Variant Server 0.00008.

Submission:

PreventionGenetics, part of Exact Sciences
Classification: Uncertain significance for FUZ-related condition. Last evaluated: 2023-05-10. Review status: criteria provided, single submitter. Criteria: ACMG Guidelines, 2015. Collection method: clinical testing. Allele origin: germline.
Comment: The FUZ c.434T>A variant is predicted to result in the amino acid substitution p.Ile145Asn. To our knowledge, this variant has not been reported in the literature. This variant is reported in 0.0053% of alleles in individuals of European (Non-Finnish) descent in gnomAD. At this time, the clinical significance of this variant is uncertain due to the absence of conclusive functional and genetic evidence.

NM_025129.5(FUZ):c.434T>A (p.Ile145Asn)

Gene: FUZ (fuzzy planar cell polarity protein; minus strand). Cytogenetic location: 19q13.33.
Variant type: single nucleotide variant.
Coding change: c.434T>A on transcript NM_025129.5 (MANE Select); coding-DNA position 434, T replaced by A.
Protein change: p.Ile145Asn; replaces isoleucine 145 with asparagine.
Molecular consequence: missense variant. On other transcripts: non-coding transcript variant (1).
Genome position (GRCh38, 1-based): chr19:49,811,421, A>T on the plus strand (T>A on the coding strand, the complement: FUZ is on the minus strand). VCF-style: chr19-49811421-A-T. GRCh37 (hg19) VCF-style: chr19-50314678-A-T.
Other names: c.326T>A, p.Ile109Asn (NM_001171937.2); c.434T>A, p.Ile145Asn (NM_001352262.2); c.284T>A, p.Ile95Asn (NM_001363663.1); short protein forms I109N, I145N, I95N.
Identifiers: ClinVar variation 2631951 (VCV002631951.1), dbSNP rs376627265, ClinGen allele CA9584459.
Genomic context (GRCh38, chr19:49,811,421, plus strand): 5'-ACCTGCAAGAGGGACCCCTCTGGAGGAATCACGCAGTCCACACACTGGGTCAGGTCCCCG[A>T]TGAGCTCCGAGTCCCCCAGGAAGCTGTCGATGAGGCAATAACTGGCCTAGGAGAGGAAGA-3'
Protein context (NP_079405.2, residues 135-155): IDSFLGDSEL[Ile145Asn]GDLTQCVDCV